The following is an entry in ClinVar:

NM_017951.5(SMPD4):c.1453+1G>A

Gene: SMPD4 (sphingomyelin phosphodiesterase 4; minus strand). Cytogenetic location: 2q21.1.
Variant type: single nucleotide variant.
Coding change: c.1453+1G>A on transcript NM_017951.5 (MANE Select); the canonical splice donor site of the intron after coding-DNA position 1453, G replaced by A.
Molecular consequence: splice donor variant.
Genome position (GRCh38, 1-based): chr2:130,155,095, C>T on the plus strand (G>A on the coding strand, the complement: SMPD4 is on the minus strand). VCF-style: chr2-130155095-C-T. GRCh37 (hg19) VCF-style: chr2-130912668-C-T.
Other names: IVS15DS, G-A, +1; c.1264+1G>A (NM_001171083.2); c.1483+1G>A (NM_017751.4).
Identifiers: ClinVar variation 691969 (VCV000691969.3), dbSNP rs1391542283, ClinGen allele CA348474474.

ClinVar aggregate classification (germline): Pathogenic. Review status: no assertion criteria provided (0 of 4 stars). 2 submissions from 2 submitters: Pathogenic (2). Last evaluated 2022-05-20.

Conditions:
Neurodevelopmental disorder with microcephaly, arthrogryposis, and structural brain anomalies. Identifiers: Orphanet 664923, MedGen C5231431, MONDO:0032838, OMIM 618622.

Allele frequency attached by ClinVar (database versions not stated): TOPMed 0.00001.

Submissions (2):

Akhavan-Niaki Genetics Laboratory, Babol University of Medical Sciences
Classification: Pathogenic for Neurodevelopmental disorder with microcephaly, arthrogryposis, and structural brain anomalies. Last evaluated: 2022-05-20. Review status: no assertion criteria provided. Collection method: clinical testing. Allele origin: germline. Inheritance: Autosomal recessive inheritance. Affected: yes. Observed: 1 homozygote.
Comment: This sequence change affects a donor splice site in intron 15 of the SMPD4 gene. ‎This variant was reported in population databases (rs1391542283) but absent in Iranian population database ‎‎(iranome). ‎

OMIM
Classification: Pathogenic for NEURODEVELOPMENTAL DISORDER WITH MICROCEPHALY, ARTHROGRYPOSIS, AND STRUCTURAL BRAIN ANOMALIES. Last evaluated: 2019-10-16. Review status: no assertion criteria provided. Collection method: literature only. Allele origin: germline.

Literature cited by the submitters: PubMed 31495489 (cited by Akhavan-Niaki Genetics Laboratory, Babol University of Medical Sciences and OMIM).